The following is an entry in ClinVar:

ClinVar aggregate classification (germline): Conflicting classifications of pathogenicity. Review status: criteria provided, conflicting classifications (1 of 4 stars). 3 submissions from 3 submitters: Uncertain significance (2); Likely benign (1). Last evaluated 2023-10-31.

Conditions:
Hereditary breast ovarian cancer syndrome. Also called: Hereditary breast and ovarian cancer syndrome; Hereditary breast and ovarian cancer; Hereditary breast and ovarian cancer syndrome (HBOC); Breast and ovarian cancer; Hereditary breast and/or ovarian cancer syndrome; BRCA1- and BRCA2-Associated Hereditary Breast and Ovarian Cancer. Identifiers: Orphanet 145, MedGen C0677776, MeSH D061325, MONDO:0003582. Disease mechanism: loss of function.
Hereditary cancer-predisposing syndrome. Also called: Neoplastic Syndromes, Hereditary; Tumor predisposition; Hereditary neoplastic syndrome; Hereditary Cancer Syndrome. Identifiers: Orphanet 140162, MedGen C0027672, MeSH D009386, MONDO:0015356.

Allele frequency attached by ClinVar (database versions not stated): gnomAD exomes below 0.00001.
gnomAD v4.1: 3 of 1,609,108 alleles (0.00019%); highest among the groups gnomAD compares: Non-Finnish European, 0.00025%; no homozygotes.

Submissions (3):

Ambry Genetics
Classification: Uncertain significance for Hereditary cancer-predisposing syndrome. Last evaluated: 2023-10-31. Review status: criteria provided, single submitter. Criteria: Ambry Variant Classification Scheme 2023. Collection method: clinical testing. Allele origin: germline.
Comment: The p.Q2184R variant (also known as c.6551A>G), located in coding exon 10 of the BRCA2 gene, results from an A to G substitution at nucleotide position 6551. The glutamine at codon 2184 is replaced by arginine, an amino acid with highly similar properties. This amino acid position is well conserved in available vertebrate species. In addition, the in silico prediction for this alteration is inconclusive. Since supporting evidence is limited at this time, the clinical significance of this alteration remains unclear.

University of Washington Department of Laboratory Medicine, University of Washington
Classification: Likely benign for Hereditary cancer-predisposing syndrome. Last evaluated: 2023-03-23. Review status: criteria provided, single submitter. Criteria: Dines et al. (Genet Med. 2020). Collection method: curation. Allele origin: germline.
Comment: Missense variant in a coldspot region where missense variants are very unlikely to be pathogenic (PMID:31911673).

BRCA2 exon 11 coldspot. Reclassification based on statistical prior probability.

Labcorp Genetics (formerly Invitae), Labcorp
Classification: Uncertain significance for Hereditary breast ovarian cancer syndrome. Last evaluated: 2023-03-18. Review status: criteria provided, single submitter. Criteria: Invitae Variant Classification Sherloc (09022015). Collection method: clinical testing. Allele origin: germline.
Comment: Advanced modeling of protein sequence and biophysical properties (such as structural, functional, and spatial information, amino acid conservation, physicochemical variation, residue mobility, and thermodynamic stability) performed at Invitae indicates that this missense variant is not expected to disrupt BRCA2 protein function. ClinVar contains an entry for this variant (Variation ID: 826479). This variant has not been reported in the literature in individuals affected with BRCA2-related conditions. This variant is present in population databases (no rsID available, gnomAD 0.0009%). This sequence change replaces glutamine, which is neutral and polar, with arginine, which is basic and polar, at codon 2184 of the BRCA2 protein (p.Gln2184Arg). In summary, the available evidence is currently insufficient to determine the role of this variant in disease. Therefore, it has been classified as a Variant of Uncertain Significance.

NM_000059.4(BRCA2):c.6551A>G (p.Gln2184Arg)

Gene: BRCA2 (BRCA2 DNA repair associated; plus strand). Cytogenetic location: 13q13.1.
Variant type: single nucleotide variant.
Coding change: c.6551A>G on transcript NM_000059.4 (MANE Select); coding-DNA position 6551, A replaced by G.
Protein change: p.Gln2184Arg; replaces glutamine 2184 with arginine.
Molecular consequence: missense variant.
Genome position (GRCh38, 1-based): chr13:32,340,906, A>G. VCF-style: chr13-32340906-A-G. GRCh37 (hg19) VCF-style: chr13-32915043-A-G.
Other names: short protein forms Q2184R.
Identifiers: ClinVar variation 826479 (VCV000826479.9), dbSNP rs1216313735, ClinGen allele CA387789786.